The following is an entry in ClinVar:

ClinVar aggregate classification (germline): Benign (1 of 4 stars; one submission).

Conditions:
Leigh syndrome (NULS). Also called: Leigh's necrotizing encephalopathy; Leigh's disease; Leigh Syndrome (mtDNA deletion); Leigh Disease; Subacute necrotizing encephalopathy; Necrotizing encephalopathy infantile subacute of Leigh. Identifiers: Orphanet 506, MedGen C2931891, MONDO:0009723, OMIM 256000.

Submission:

Wong Mito Lab, Molecular and Human Genetics, Baylor College of Medicine
Classification: Benign for Leigh syndrome. Last evaluated: 2019-10-17. Review status: criteria provided, single submitter. Criteria: Modified ACMG Guidelines (Unpublished). Collection method: clinical testing. Allele origin: germline.
Comment: The NC_012920.1:m.13565C>T (YP_003024036.1:p.Ser410Phe) variant in MTND5 gene is interpretated to be a Benign variant based on the modified ACMG guidelines (unpublished). This variant meets the following evidence codes: BS1, BS2, BP4

NC_012920.1(MT-ND5):m.13565C>T

Gene: MT-ND5 (mitochondrially encoded NADH dehydrogenase 5; plus strand).
Variant type: single nucleotide variant.
Genome position: chrM-13565-C-T.
Identifiers: ClinVar variation 693572 (VCV000693572.1), dbSNP rs56039545, ClinGen allele CA337099732.
Genomic context (GRCh38, chrMT:13,565, plus strand): 5'-ACTCCAAAGACCACATCATCGAAACCGCAAACATATCATACACAAACGCCTGAGCCCTAT[C>T]TATTACTCTCATCGCTACCTCCCTGACAAGCGCCTATAGCACTCGAATAATTCTTCTCAC-3'